The following is an entry in ClinVar:

ClinVar aggregate classification (germline): Uncertain significance. Review status: criteria provided, multiple submitters, no conflicts (2 of 4 stars). 2 submissions from 2 submitters: Uncertain significance (2). Last evaluated 2025-07-04.

Conditions:
Hereditary cancer-predisposing syndrome. Also called: Neoplastic Syndromes, Hereditary; Tumor predisposition; Hereditary neoplastic syndrome; Hereditary Cancer Syndrome. Identifiers: Orphanet 140162, MedGen C0027672, MeSH D009386, MONDO:0015356.

Submissions (2):

Ambry Genetics
Classification: Uncertain significance for Hereditary cancer-predisposing syndrome. Last evaluated: 2025-07-04. Review status: criteria provided, single submitter. Criteria: Ambry Variant Classification Scheme 2023. Collection method: clinical testing. Allele origin: germline.
Comment: The p.E217Q variant (also known as c.649G>C), located in coding exon 6 of the EPCAM gene, results from a G to C substitution at nucleotide position 649. The glutamic acid at codon 217 is replaced by glutamine, an amino acid with highly similar properties. This amino acid position is conserved. In addition, this alteration is predicted to be deleterious by in silico analysis. Based on the available evidence, the clinical significance of this variant remains unclear.

Blueprint Genetics
Classification: Uncertain significance. Last evaluated: 2024-04-16. Review status: criteria provided, single submitter. Criteria: ACMG Guidelines, 2015. Collection method: clinical testing. Allele origin: germline.

NM_002354.3(EPCAM):c.649G>C (p.Glu217Gln)

Gene: EPCAM (epithelial cell adhesion molecule; plus strand). Cytogenetic location: 2p21.
Variant type: single nucleotide variant.
Coding change: c.649G>C on transcript NM_002354.3 (MANE Select); coding-DNA position 649, G replaced by C.
Protein change: p.Glu217Gln; replaces glutamic acid 217 with glutamine.
Molecular consequence: missense variant.
Genome position (GRCh38, 1-based): chr2:47,379,046, G>C. VCF-style: chr2-47379046-G-C. GRCh37 (hg19) VCF-style: chr2-47606185-G-C.
Other names: short protein forms E217Q.
Identifiers: ClinVar variation 4249680 (VCV004249680.2).